The following is an entry in ClinVar:

ClinVar aggregate classification (germline): Uncertain significance. Review status: criteria provided, multiple submitters, no conflicts (2 of 4 stars). 2 submissions from 2 submitters: Uncertain significance (2). Last evaluated 2024-09-14.

Conditions:
Cardiovascular phenotype. Identifiers: MedGen CN230736.
Dilated cardiomyopathy 1JJ (CMD1JJ). Identifiers: Orphanet 154, MedGen C3808935, MONDO:0014095, OMIM 615235.

Allele frequency attached by ClinVar (database versions not stated): gnomAD exomes below 0.00001.
gnomAD v4.1: 1 of 1,598,014 alleles (0.000063%); highest among the groups gnomAD compares: Non-Finnish European, 0.000086%; no homozygotes.

Submissions (2):

Labcorp Genetics (formerly Invitae), Labcorp
Classification: Uncertain significance for Dilated cardiomyopathy 1JJ. Last evaluated: 2024-09-14. Review status: criteria provided, single submitter. Criteria: Invitae Variant Classification Sherloc (09022015). Collection method: clinical testing. Allele origin: germline.
Comment: This sequence change replaces aspartic acid, which is acidic and polar, with glycine, which is neutral and non-polar, at codon 546 of the LAMA4 protein (p.Asp546Gly). This variant is not present in population databases (gnomAD no frequency). This variant has not been reported in the literature in individuals affected with LAMA4-related conditions. ClinVar contains an entry for this variant (Variation ID: 2619187). An algorithm developed to predict the effect of missense changes on protein structure and function (PolyPhen-2) suggests that this variant is likely to be tolerated. In summary, the available evidence is currently insufficient to determine the role of this variant in disease. Therefore, it has been classified as a Variant of Uncertain Significance.

Ambry Genetics
Classification: Uncertain significance for Cardiovascular phenotype. Last evaluated: 2023-08-02. Review status: criteria provided, single submitter. Criteria: Ambry Variant Classification Scheme 2023. Collection method: clinical testing. Allele origin: germline.
Comment: The p.D546G variant (also known as c.1637A>G), located in coding exon 12 of the LAMA4 gene, results from an A to G substitution at nucleotide position 1637. The aspartic acid at codon 546 is replaced by glycine, an amino acid with similar properties. This amino acid position is conserved. In addition, this alteration is predicted to be tolerated by in silico analysis. Since supporting evidence is limited at this time, the clinical significance of this alteration remains unclear.

NM_001105206.3(LAMA4):c.1658A>G (p.Asp553Gly)

Gene: LAMA4 (laminin subunit alpha 4; minus strand). Cytogenetic location: 6q21.
Variant type: single nucleotide variant.
Coding change: c.1658A>G on transcript NM_001105206.3 (MANE Select); coding-DNA position 1658, A replaced by G.
Protein change: p.Asp553Gly; replaces aspartic acid 553 with glycine.
Molecular consequence: missense variant.
Genome position (GRCh38, 1-based): chr6:112,165,170, T>C on the plus strand (A>G on the coding strand, the complement: LAMA4 is on the minus strand). VCF-style: chr6-112165170-T-C. GRCh37 (hg19) VCF-style: chr6-112486372-T-C.
Other names: c.1637A>G, p.Asp546Gly (NM_001105207.3, NM_002290.5); short protein forms D546G, D553G.
Identifiers: ClinVar variation 2619187 (VCV002619187.4), dbSNP rs2547092006, ClinGen allele CA365367424.